The following is an entry in ClinVar:

ClinVar aggregate classification (germline): Uncertain significance (1 of 4 stars; one submission).

Conditions:
Gorlin syndrome. Also called: Nevoid Basal Cell Carcinoma Syndrome; Basal cell nevus syndrome. Identifiers: Orphanet 377, MedGen C0004779, MONDO:0007187.

Submission:

Labcorp Genetics (formerly Invitae), Labcorp
Classification: Uncertain significance for Gorlin syndrome. Last evaluated: 2025-10-14. Review status: criteria provided, single submitter. Criteria: Invitae Variant Classification Sherloc (09022015). Collection method: clinical testing. Allele origin: germline.
Comment: This sequence change replaces valine, which is neutral and non-polar, with alanine, which is neutral and non-polar, at codon 832 of the PTCH1 protein (p.Val832Ala). This variant is not present in population databases (gnomAD no frequency). This variant has not been reported in the literature in individuals affected with PTCH1-related conditions. Invitae Evidence Modeling of protein sequence and biophysical properties (such as structural, functional, and spatial information, amino acid conservation, physicochemical variation, residue mobility, and thermodynamic stability) indicates that this missense variant is not expected to disrupt PTCH1 protein function with a negative predictive value of 95%. In summary, the available evidence is currently insufficient to determine the role of this variant in disease. Therefore, it has been classified as a Variant of Uncertain Significance.

NM_000264.5(PTCH1):c.2495T>C (p.Val832Ala)

Genes: PTCH1 (patched 1; minus strand), LOC100507346 (uncharacterized LOC100507346; plus strand). Cytogenetic location: 9q22.32.
Variant type: single nucleotide variant.
Coding change: c.2495T>C on transcript NM_000264.5 (MANE Select); coding-DNA position 2495, T replaced by C.
Protein change: p.Val832Ala; replaces valine 832 with alanine.
Molecular consequence: missense variant. On other transcripts: non-coding transcript variant (2).
Genome position (GRCh38, 1-based): chr9:95,467,181, A>G on the plus strand (T>C on the coding strand, the complement: PTCH1 is on the minus strand). VCF-style: chr9-95467181-A-G. GRCh37 (hg19) VCF-style: chr9-98229463-A-G.
Other names: c.2297T>C, p.Val766Ala (NM_001083602.3); c.2492T>C, p.Val831Ala (NM_001083603.3); c.2042T>C, p.Val681Ala (NM_001083604.3, NM_001083605.3, NM_001083606.3 and 1 more transcripts); c.2339T>C, p.Val780Ala (NM_001354918.2); short protein forms V681A, V766A, V780A, V831A, V832A.
Identifiers: ClinVar variation 4801800 (VCV004801800.1).